The following is an entry in ClinVar:

ClinVar aggregate classification (germline): Likely benign (1 of 4 stars; one submission).

Conditions:
Xeroderma pigmentosum variant type. Also called: POLH-Related Xeroderma Pigmentosum; PHOTOSENSITIVITY WITH DEFECTIVE DNA SYNTHESIS; XERODERMA PIGMENTOSUM WITH NORMAL DNA REPAIR RATES. Identifiers: Orphanet 90342, MedGen C1848410, MONDO:0010214, OMIM 278750.

Allele frequency attached by ClinVar (database versions not stated): 1000 Genomes Project 0.00080; 1000 Genomes Project 30x 0.00094; TOPMed 0.00167; gnomAD 0.00248 and 0.00257.
gnomAD v4.1: 373 of 152,282 alleles (0.24%); highest among the groups gnomAD compares: Non-Finnish European, 0.3%; 1 homozygote.

Submission:

Illumina Laboratory Services, Illumina
Classification: Likely benign for Xeroderma pigmentosum variant type. Last evaluated: 2018-01-12. Review status: criteria provided, single submitter. Criteria: ICSL Variant Classification Criteria 13 December 2019. Collection method: clinical testing. Allele origin: germline.
Comment: This variant was observed in the ICSL laboratory as part of a predisposition screen in an ostensibly healthy population. It had not been previously curated by ICSL or reported in the Human Gene Mutation Database (HGMD: prior to June 1st, 2018), and was therefore a candidate for classification through an automated scoring system. Utilizing variant allele frequency, disease prevalence and penetrance estimates, and inheritance mode, an automated score was calculated to assess if this variant is too frequent to cause the disease. Based on the score and internal cut-off values, a variant classified as likely benign is not then subjected to further curation. The score for this variant resulted in a classification of likely benign for this disease.

NM_006502.3(POLH):c.*2269C>T

Gene: POLH (DNA polymerase eta; plus strand). Cytogenetic location: 6p21.1.
Variant type: single nucleotide variant.
Coding change: c.*2269C>T on transcript NM_006502.3 (MANE Select); 2269 bases downstream of the stop codon, C replaced by T.
Molecular consequence: 3 prime UTR variant.
Genome position (GRCh38, 1-based): chr6:43,616,826, C>T. VCF-style: chr6-43616826-C-T. GRCh37 (hg19) VCF-style: chr6-43584563-C-T.
Other names: c.*2269C>T (NM_001291969.2); c.*3095C>T (NM_001291970.2).
Identifiers: ClinVar variation 356962 (VCV000356962.7), dbSNP rs140288120, ClinGen allele CA10624035.